The following is an entry in ClinVar:

NM_002951.5(RPN2):c.1079C>T (p.Ala360Val)

Gene: RPN2 (ribophorin II; plus strand). Cytogenetic location: 20q11.23.
Variant type: single nucleotide variant.
Coding change: c.1079C>T on transcript NM_002951.5 (MANE Select); coding-DNA position 1079, C replaced by T.
Protein change: p.Ala360Val; replaces alanine 360 with valine.
Molecular consequence: missense variant.
Genome position (GRCh38, 1-based): chr20:37,213,852, C>T. VCF-style: chr20-37213852-C-T. GRCh37 (hg19) VCF-style: chr20-35842255-C-T.
Other names: c.983C>T, p.Ala328Val (NM_001135771.3); c.1079C>T, p.Ala360Val (NM_001324299.2, NM_001324302.2, NM_001324303.2 and 1 more transcripts); c.1127C>T, p.Ala376Val (NM_001324301.2, NM_001324305.2); c.608C>T, p.Ala203Val (NM_001324306.2); short protein forms A203V, A360V, A328V, A376V.
Identifiers: ClinVar variation 3672337 (VCV003672337.2).

ClinVar aggregate classification (germline): Uncertain significance (1 of 4 stars; one submission).

Conditions:
Congenital disorder of glycosylation (CDG). Also called: Carbohydrate-deficient glycoprotein syndrome; Congenital disorders of glycosylation. Identifiers: Orphanet 137, MedGen C0282577, MONDO:0015286.

Submission:

Labcorp Genetics (formerly Invitae), Labcorp
Classification: Uncertain significance for Congenital disorder of glycosylation. Last evaluated: 2024-03-31. Review status: criteria provided, single submitter. Criteria: Invitae Variant Classification Sherloc (09022015). Collection method: clinical testing. Allele origin: germline.
Comment: This sequence change replaces alanine, which is neutral and non-polar, with valine, which is neutral and non-polar, at codon 360 of the RPN2 protein (p.Ala360Val). This variant is not present in population databases (gnomAD no frequency). This variant has not been reported in the literature in individuals affected with RPN2-related conditions. An algorithm developed to predict the effect of missense changes on protein structure and function (PolyPhen-2) suggests that this variant is likely to be disruptive. In summary, the available evidence is currently insufficient to determine the role of this variant in disease. Therefore, it has been classified as a Variant of Uncertain Significance.